The following is an entry in ClinVar:

NM_015450.3(POT1):c.969A>T (p.Leu323Phe)

Gene: POT1 (protection of telomeres 1; minus strand). Cytogenetic location: 7q31.33.
Variant type: single nucleotide variant.
Coding change: c.969A>T on transcript NM_015450.3 (MANE Select); coding-DNA position 969, A replaced by T.
Protein change: p.Leu323Phe; replaces leucine 323 with phenylalanine.
Molecular consequence: missense variant. On other transcripts: non-coding transcript variant (3).
Genome position (GRCh38, 1-based): chr7:124,846,979, T>A on the plus strand (A>T on the coding strand, the complement: POT1 is on the minus strand). VCF-style: chr7-124846979-T-A. GRCh37 (hg19) VCF-style: chr7-124487033-T-A.
Other names: c.576A>T, p.Leu192Phe (NM_001042594.2); short protein forms L192F, L323F.
Identifiers: ClinVar variation 1394004 (VCV001394004.6), dbSNP rs1166926609, ClinGen allele CA369053811.

ClinVar aggregate classification (germline): Uncertain significance (1 of 4 stars; one submission).

Conditions:
Tumor predisposition syndrome 3 (TPDS3). Also called: Melanoma, cutaneous malignant, susceptibility to, 10; Glioma susceptibility 9; LONG TELOMERE SYNDROME, POT1-RELATED; POT1 Tumor Predisposition. Identifiers: Orphanet 618, MedGen C4014476, MONDO:0014368, OMIM 615848.

gnomAD v4.1: 1 of 1,606,022 alleles (0.000062%); no homozygotes.

Submission:

Labcorp Genetics (formerly Invitae), Labcorp
Classification: Uncertain significance for Tumor predisposition syndrome 3. Last evaluated: 2021-11-19. Review status: criteria provided, single submitter. Criteria: Invitae Variant Classification Sherloc (09022015). Collection method: clinical testing. Allele origin: germline.
Comment: In summary, the available evidence is currently insufficient to determine the role of this variant in disease. Therefore, it has been classified as a Variant of Uncertain Significance. Algorithms developed to predict the effect of missense changes on protein structure and function are either unavailable or do not agree on the potential impact of this missense change (SIFT: "Tolerated"; PolyPhen-2: "Possibly Damaging"; Align-GVGD: "Class C0"). This variant has not been reported in the literature in individuals affected with POT1-related conditions. This variant is present in population databases (no rsID available, gnomAD 0.005%). This sequence change replaces leucine, which is neutral and non-polar, with phenylalanine, which is neutral and non-polar, at codon 323 of the POT1 protein (p.Leu323Phe).